The following is an entry in ClinVar:

ClinVar aggregate classification (germline): Uncertain significance (1 of 4 stars; one submission).

Conditions:
Inflammatory skin and bowel disease, neonatal, 1. Identifiers: Orphanet 294023, MedGen C3280501, MONDO:0013693, OMIM 614328.

Allele frequency attached by ClinVar (database versions not stated): gnomAD exomes below 0.00001.
gnomAD v4.1: 2 of 1,599,986 alleles (0.00013%); highest among the groups gnomAD compares: Admixed American, 0.0033%; no homozygotes.

Submission:

Labcorp Genetics (formerly Invitae), Labcorp
Classification: Uncertain significance for Inflammatory skin and bowel disease, neonatal, 1. Last evaluated: 2022-02-05. Review status: criteria provided, single submitter. Criteria: Invitae Variant Classification Sherloc (09022015). Collection method: clinical testing. Allele origin: germline.
Comment: In summary, the available evidence is currently insufficient to determine the role of this variant in disease. Therefore, it has been classified as a Variant of Uncertain Significance. Algorithms developed to predict the effect of missense changes on protein structure and function output the following: SIFT: "Not Available"; PolyPhen-2: "Benign"; Align-GVGD: "Not Available". The serine amino acid residue is found in multiple mammalian species, which suggests that this missense change does not adversely affect protein function. This variant has not been reported in the literature in individuals affected with ADAM17-related conditions. This variant is not present in population databases (gnomAD no frequency). This sequence change replaces asparagine, which is neutral and polar, with serine, which is neutral and polar, at codon 815 of the ADAM17 protein (p.Asn815Ser).

NM_003183.6(ADAM17):c.2444A>G (p.Asn815Ser)

Genes: ADAM17 (ADAM metallopeptidase domain 17; minus strand), IAH1 (isoamyl acetate hydrolyzing esterase 1 (putative); plus strand). Cytogenetic location: 2p25.1.
Variant type: single nucleotide variant.
Coding change: c.2444A>G on transcript NM_003183.6 (MANE Select); coding-DNA position 2444, A replaced by G.
Protein change: p.Asn815Ser; replaces asparagine 815 with serine.
Molecular consequence: missense variant.
Genome position (GRCh38, 1-based): chr2:9,490,208, T>C on the plus strand (A>G on the coding strand, the complement: ADAM17 is on the minus strand). VCF-style: chr2-9490208-T-C. GRCh37 (hg19) VCF-style: chr2-9630337-T-C.
Other names: c.1784A>G, p.Asn595Ser (NM_001382777.1); c.1547A>G, p.Asn516Ser (NM_001382778.1); short protein forms N516S, N595S, N815S.
Identifiers: ClinVar variation 1517794 (VCV001517794.7), dbSNP rs2124947605, ClinGen allele CA345794018.
Genomic context (GRCh38, chr2:9,490,208, plus strand): 5'-CACTTAAGTCAGAAGAGCTGAGAACTAAATTAGCACTCTGTTTCTTTGCTGTCAACACGA[T>C]TCTGACGCTGCAGTTTAAAGGAGGCAGCCTTTTCACTTCTGGTGACCGGATGGTCCGTGA-3'
Protein context (NP_003174.3, residues 805-824): KAASFKLQRQ[Asn815Ser]RVDSKETEC